The following is an entry in ClinVar:

NM_032043.3(BRIP1):c.2607G>C (p.Gln869His)

Gene: BRIP1 (BRCA1 interacting DNA helicase 1; minus strand). Cytogenetic location: 17q23.2.
Variant type: single nucleotide variant.
Coding change: c.2607G>C on transcript NM_032043.3 (MANE Select); coding-DNA position 2607, G replaced by C.
Protein change: p.Gln869His; replaces glutamine 869 with histidine.
Molecular consequence: missense variant.
Genome position (GRCh38, 1-based): chr17:61,686,134, C>G on the plus strand (G>C on the coding strand, the complement: BRIP1 is on the minus strand). VCF-style: chr17-61686134-C-G. GRCh37 (hg19) VCF-style: chr17-59763495-C-G.
Other names: short protein forms Q869H.
Identifiers: ClinVar variation 929521 (VCV000929521.1), dbSNP rs2061361150, ClinGen allele CA400481955.
Genomic context (GRCh38, chr17:61,686,134, plus strand): 5'-TTGATGCTTTTTGGAAAATTCAGCCAAGGATTCCAGTGCACTTTCAAAGGTTGAATGGTG[C>G]TGAATCTGCTGCCGTACCCATTTAGAAAGTCCTAAAGAAAAAGGTAAACCCAGGGAAAAT-3'
Protein context (NP_114432.2, residues 859-879): GLSKWVRQQI[Gln869His]HHSTFESALE

ClinVar aggregate classification (germline): Uncertain significance (0 of 4 stars; one submission).

Allele frequency attached by ClinVar (database versions not stated): gnomAD exomes below 0.00001.
gnomAD v4.1: 2 of 1,614,016 alleles (0.00012%); highest among the groups gnomAD compares: East Asian, 0.0045%; no homozygotes.

Submission:

Leiden Open Variation Database
Classification: Uncertain significance. Last evaluated: 2019-08-13. Review status: no assertion criteria provided. Collection method: curation. Allele origin: germline. Affected: yes.
Comment: Curator: Arleen D. Auerbach. Submitter to LOVD: Yukihide Momozawa.

Literature cited by the submitters: PubMed 31214711.